The following is an entry in ClinVar:

NM_005559.4(LAMA1):c.4092T>A (p.Cys1364Ter)

Gene: LAMA1 (laminin subunit alpha 1; minus strand). Cytogenetic location: 18p11.31.
Variant type: single nucleotide variant.
Coding change: c.4092T>A on transcript NM_005559.4 (MANE Select); coding-DNA position 4092, T replaced by A.
Protein change: p.Cys1364Ter; replaces cysteine 1364 with a stop codon.
Molecular consequence: nonsense.
Genome position (GRCh38, 1-based): chr18:7,008,518, A>T on the plus strand (T>A on the coding strand, the complement: LAMA1 is on the minus strand). VCF-style: chr18-7008518-A-T. GRCh37 (hg19) VCF-style: chr18-7008517-A-T.
Other names: short protein forms C1364*.
Identifiers: ClinVar variation 4530697 (VCV004530697.1).
Genomic context (GRCh38, chr18:7,008,518, plus strand): 5'-GGAAATAGATTTCGACTAGAGTCTCCGTACCTGACATGAGAATCCCACAGTGCCAGGAGG[A>T]CAGACACAATTCTCTAAAAGAGATGCAACCTCTTCTTCTGGGTGCAGCTTTTCAGCCTTT-3'

ClinVar aggregate classification (germline): Pathogenic (1 of 4 stars; one submission).

Conditions:
Retinal disorder. Also called: Retinopathies; Retinal Diseases; Retinal disorders; Retinopathy. Identifiers: MedGen C0035309, MONDO:0005283, HP:0000488.

gnomAD v4.1: 31 of 1,613,992 alleles (0.0019%); highest among the groups gnomAD compares: Non-Finnish European, 0.0026%; no homozygotes.

Submission:

Genetics Laboratory, Great Ormond Street Hospital NHS Foundation Trust, North Thames Genomic Laboratory Hub
Classification: Pathogenic for Retinal disorders. Last evaluated: 2025-09-26. Review status: criteria provided, single submitter. Criteria: ACGS Best Practice Guidelines for Variant Classification in Rare Disease 2024 v1.2. Collection method: clinical testing. Allele origin: germline. Affected: yes.
Comment: PM2_moderate, PVS1_very-strong